The following is an entry in ClinVar:

ClinVar aggregate classification (germline): Uncertain significance (1 of 4 stars; one submission).

Submission:

GeneDx
Classification: Uncertain significance. Last evaluated: 2023-06-01. Review status: criteria provided, single submitter. Criteria: GeneDx Variant Classification Process June 2021. Collection method: clinical testing. Allele origin: germline. Affected: yes.
Comment: Not observed at significant frequency in large population cohorts (gnomAD); In silico analysis supports that this missense variant does not alter protein structure/function; Has not been previously published as pathogenic or benign to our knowledge

NM_001378418.1(TCF20):c.5469C>G (p.Asp1823Glu)

Gene: TCF20 (transcription factor 20; minus strand). Cytogenetic location: 22q13.2.
Variant type: single nucleotide variant.
Coding change: c.5469C>G on transcript NM_001378418.1 (MANE Select); coding-DNA position 5469, C replaced by G.
Protein change: p.Asp1823Glu; replaces aspartic acid 1823 with glutamic acid.
Molecular consequence: missense variant.
Genome position (GRCh38, 1-based): chr22:42,209,837, G>C on the plus strand (C>G on the coding strand, the complement: TCF20 is on the minus strand). VCF-style: chr22-42209837-G-C. GRCh37 (hg19) VCF-style: chr22-42605843-G-C.
Other names: c.5469C>G, p.Asp1823Glu (NM_005650.4, NM_181492.3); short protein forms D1823E.
Identifiers: ClinVar variation 3359312 (VCV003359312.1).